The following is an entry in ClinVar:

NM_000182.5(HADHA):c.2060T>C (p.Met687Thr)

Genes: GAREM2 (GRB2 associated regulator of MAPK1 subtype 2; plus strand), HADHA (hydroxyacyl-CoA dehydrogenase trifunctional multienzyme complex subunit alpha; minus strand). Cytogenetic location: 2p23.3.
Variant type: single nucleotide variant.
Coding change: c.2060T>C on transcript NM_000182.5 (MANE Select); coding-DNA position 2060, T replaced by C.
Protein change: p.Met687Thr; replaces methionine 687 with threonine.
Molecular consequence: missense variant.
Genome position (GRCh38, 1-based): chr2:26,191,569, A>G on the plus strand (T>C on the coding strand, the complement: HADHA is on the minus strand). VCF-style: chr2-26191569-A-G. GRCh37 (hg19) VCF-style: chr2-26414438-A-G.
Other names: short protein forms M687T.
Identifiers: ClinVar variation 705774 (VCV000705774.17), dbSNP rs149632783, ClinGen allele CA1559380.

ClinVar aggregate classification (germline): Benign. Review status: criteria provided, multiple submitters, no conflicts (2 of 4 stars). 5 submissions from 4 submitters: Benign (4). 1 of the submissions does not count toward it. Last evaluated 2026-01-19.

Conditions:
Mitochondrial trifunctional protein deficiency. Identifiers: Orphanet 746, MedGen C1969443, MONDO:0012172.
HADHA-related disorder. Also called: HADHA-related condition; HADHA-related disorders.
Long chain 3-hydroxyacyl-CoA dehydrogenase deficiency. Also called: Deficiency of long-chain 3-hydroxyacyl-coenzyme A dehydrogenase; LCHAD Deficiency. Identifiers: Orphanet 5, MedGen C3711645, MONDO:0012173, OMIM 609016.

Allele frequency attached by ClinVar (database versions not stated): TOPMed 0.00016; ESP Exome Variant Server 0.00023; 1000 Genomes Project 30x 0.00062; 1000 Genomes Project 0.00080; gnomAD exomes 0.00082 and 0.00210; gnomAD 0.00167 and 0.00173; ExAC 0.00173.
gnomAD v4.1: 1,452 of 1,613,976 alleles (0.09%); highest among the groups gnomAD compares: East Asian, 0.027%; 13 homozygotes.

Submissions (5):

Labcorp Genetics (formerly Invitae), Labcorp
Classification: Benign for Mitochondrial trifunctional protein deficiency; Long chain 3-hydroxyacyl-CoA dehydrogenase deficiency. Last evaluated: 2026-01-19. Review status: criteria provided, single submitter. Criteria: Invitae Variant Classification Sherloc (09022015). Collection method: clinical testing. Allele origin: germline.

PreventionGenetics, part of Exact Sciences
Classification: Benign for HADHA-related condition. Last evaluated: 2025-05-13. Review status: criteria provided, single submitter. Criteria: ACMG Guidelines, 2015. Collection method: clinical testing. Allele origin: germline.
Comment: This variant is classified as benign based on ACMG/AMP sequence variant interpretation guidelines (Richards et al. 2015 PMID: 25741868, with internal and published modifications).

Illumina Laboratory Services, Illumina
Classification: Benign for Long chain 3-hydroxyacyl-CoA dehydrogenase deficiency. Last evaluated: 2017-04-28. Review status: criteria provided, single submitter. Criteria: ICSL Variant Classification Criteria 13 December 2019. Collection method: clinical testing. Allele origin: germline.
Comment: This variant was observed as part of a predisposition screen in an ostensibly healthy population. A literature search was performed for the gene, cDNA change, and amino acid change (where applicable). No publications were found based on this search. Allele frequency data from public databases was too high to be consistent with this variant causing disease. Therefore, this variant is classified as benign.

Illumina Laboratory Services, Illumina
Classification: Benign for Mitochondrial trifunctional protein deficiency 1. Last evaluated: 2017-04-28. Review status: criteria provided, single submitter. Criteria: ICSL Variant Classification Criteria 13 December 2019. Collection method: clinical testing. Allele origin: germline.
Comment: the same text as in the submission from Illumina Laboratory Services, Illumina above.

Natera, Inc.
Classification: Likely benign for Deficiency of long-chain 3-hydroxyacyl-coenzyme A dehydrogenase. Last evaluated: 2020-05-02. Review status: no assertion criteria provided. Collection method: clinical testing. Allele origin: germline. Not counted in ClinVar's aggregate classification.